The following is an entry in ClinVar:

ClinVar aggregate classification (germline): Pathogenic (1 of 4 stars; one submission).

Submission:

Labcorp Genetics (formerly Invitae), Labcorp
Classification: Pathogenic. Last evaluated: 2023-10-15. Review status: criteria provided, single submitter. Criteria: Invitae Variant Classification Sherloc (09022015). Collection method: clinical testing. Allele origin: germline.
Comment: This sequence change creates a premature translational stop signal (p.Trp200Glyfs*10) in the ELP1 gene. It is expected to result in an absent or disrupted protein product. Loss-of-function variants in ELP1 are known to be pathogenic (PMID: 18303054, 24173031). This variant is not present in population databases (gnomAD no frequency). This variant has not been reported in the literature in individuals affected with ELP1-related conditions. For these reasons, this variant has been classified as Pathogenic.

Literature cited by the submitters: PubMed 18303054; PubMed 24173031.

NM_003640.5(ELP1):c.597del (p.Trp200fs)

Gene: ELP1 (elongator acetyltransferase complex subunit 1; minus strand). Cytogenetic location: 9q31.3.
Variant type: Deletion.
Coding change: c.597del on transcript NM_003640.5 (MANE Select); coding-DNA position 597, one base deleted (C; older notation c.597delC).
Protein change: p.Trp200fs; shifts the reading frame from tryptophan 200.
Molecular consequence: frameshift variant. On other transcripts: intron variant (1).
Genome position (GRCh38, 1-based): chr9:108,919,305, G deleted on the plus strand (C on the coding strand, the reverse complement: ELP1 is on the minus strand); the first of 2 consecutive G bases (chr9:108,919,305-108,919,306); deleting either gives the same sequence. VCF-style (leftmost placement, unchanged base first): chr9-108919304-AG-A. GRCh37 (hg19) VCF-style: chr9-111681584-AG-A.
Other names: c.255del, p.Trp86fs (NM_001318360.2); c.-307-1635del (NM_001330749.2); short protein forms W86fs, W200fs.
Identifiers: ClinVar variation 2768633 (VCV002768633.3), dbSNP rs2537943532, ClinGen allele CA2697557972.